The following is an entry in ClinVar:

ClinVar aggregate classification (germline): Pathogenic (1 of 4 stars; one submission).

Submission:

CeGaT Center for Human Genetics Tuebingen
Classification: Pathogenic. Last evaluated: 2022-09-01. Review status: criteria provided, single submitter. Criteria: CeGaT Center For Human Genetics Tuebingen Variant Classification Criteria Version 2. Collection method: clinical testing. Allele origin: germline. Affected: yes. Observed: 1 variant allele.
Comment: ABCC9: PS2, PM1, PM2, PM5, PS4:Moderate, PP2, PP4

NM_020297.4(ABCC9):c.3346C>G (p.Arg1116Gly)

Gene: ABCC9 (ATP binding cassette subfamily C member 9; minus strand). Cytogenetic location: 12p12.1.
Variant type: single nucleotide variant.
Coding change: c.3346C>G on transcript NM_020297.4 (MANE Select); coding-DNA position 3346, C replaced by G.
Protein change: p.Arg1116Gly; replaces arginine 1116 with glycine.
Molecular consequence: missense variant.
Genome position (GRCh38, 1-based): chr12:21,842,441, G>C on the plus strand (C>G on the coding strand, the complement: ABCC9 is on the minus strand). VCF-style: chr12-21842441-G-C. GRCh37 (hg19) VCF-style: chr12-21995375-G-C.
Other names: c.3346C>G, p.Arg1116Gly (NM_001377273.1, NM_005691.4); c.2479C>G, p.Arg827Gly (NM_001377274.1); short protein forms R1116G, R827G.
Identifiers: ClinVar variation 1711337 (VCV001711337.30), dbSNP rs387907228, ClinGen allele CA384141001.